The following is an entry in ClinVar:

ClinVar aggregate classification (germline): Uncertain significance (1 of 4 stars; one submission).

Conditions:
Focal segmental glomerulosclerosis 5 (FSGS5). Identifiers: Orphanet 656, MedGen C2750475, MONDO:0013191, OMIM 613237.
Charcot-Marie-Tooth disease dominant intermediate E. Also called: CHARCOT-MARIE-TOOTH NEUROPATHY WITH FOCAL SEGMENTAL GLOMERULONEPHRITIS. Identifiers: Orphanet 93114, MedGen C4302667, MONDO:0013758, OMIM 614455.

gnomAD v4.1: 9 of 1,604,074 alleles (0.00056%); highest among the groups gnomAD compares: Non-Finnish European, 0.0006%; no homozygotes.

Submission:

Labcorp Genetics (formerly Invitae), Labcorp
Classification: Uncertain significance for Charcot-Marie-Tooth disease dominant intermediate E; Focal segmental glomerulosclerosis 5. Last evaluated: 2021-11-08. Review status: criteria provided, single submitter. Criteria: Invitae Variant Classification Sherloc (09022015). Collection method: clinical testing. Allele origin: germline.
Comment: This sequence change replaces aspartic acid, which is acidic and polar, with histidine, which is basic and polar, at codon 1081 of the INF2 protein (p.Asp1081His). This variant has not been reported in the literature in individuals affected with INF2-related conditions. This variant is present in population databases (rs571986941, gnomAD 0.002%). Algorithms developed to predict the effect of missense changes on protein structure and function are either unavailable or do not agree on the potential impact of this missense change (SIFT: "Tolerated"; PolyPhen-2: "Not Available"; Align-GVGD: "Class C0"). In summary, the available evidence is currently insufficient to determine the role of this variant in disease. Therefore, it has been classified as a Variant of Uncertain Significance.

NM_022489.4(INF2):c.3241G>C (p.Asp1081His)

Gene: INF2 (inverted formin 2; plus strand). Cytogenetic location: 14q32.33.
Variant type: single nucleotide variant.
Coding change: c.3241G>C on transcript NM_022489.4 (MANE Select); coding-DNA position 3241, G replaced by C.
Protein change: p.Asp1081His; replaces aspartic acid 1081 with histidine.
Molecular consequence: missense variant.
Genome position (GRCh38, 1-based): chr14:104,714,403, G>C. VCF-style: chr14-104714403-G-C. GRCh37 (hg19) VCF-style: chr14-105180740-G-C.
Other names: c.3241G>C, p.Asp1081His (NM_001031714.4); short protein forms D1081H.
Identifiers: ClinVar variation 1358730 (VCV001358730.6), dbSNP rs571986941, ClinGen allele CA7373210.